The following is an entry in ClinVar:

ClinVar aggregate classification (germline): Uncertain significance (1 of 4 stars; one submission).

Conditions:
Glycogen storage disease due to lactate dehydrogenase M-subunit deficiency (GSD11). Also called: Glycogen storage disease XI; GSD XI; LACTATE DEHYDROGENASE A DEFICIENCY. Identifiers: Orphanet 284426, MedGen C2931743, MONDO:0013047, OMIM 612933.

Submission:

Labcorp Genetics (formerly Invitae), Labcorp
Classification: Uncertain significance for Glycogen storage disease due to lactate dehydrogenase M-subunit deficiency. Last evaluated: 2024-11-27. Review status: criteria provided, single submitter. Criteria: Invitae Variant Classification Sherloc (09022015). Collection method: clinical testing. Allele origin: germline.
Comment: This sequence change replaces lysine, which is basic and polar, with threonine, which is neutral and polar, at codon 318 of the LDHA protein (p.Lys318Thr). This variant is not present in population databases (gnomAD no frequency). This variant has not been reported in the literature in individuals affected with LDHA-related conditions. Invitae Evidence Modeling of protein sequence and biophysical properties (such as structural, functional, and spatial information, amino acid conservation, physicochemical variation, residue mobility, and thermodynamic stability) indicates that this missense variant is not expected to disrupt LDHA protein function with a negative predictive value of 80%. In summary, the available evidence is currently insufficient to determine the role of this variant in disease. Therefore, it has been classified as a Variant of Uncertain Significance.

NM_005566.4(LDHA):c.953A>C (p.Lys318Thr)

Gene: LDHA (lactate dehydrogenase A; plus strand). Cytogenetic location: 11p15.1.
Variant type: single nucleotide variant.
Coding change: c.953A>C on transcript NM_005566.4 (MANE Select); coding-DNA position 953, A replaced by C.
Protein change: p.Lys318Thr; replaces lysine 318 with threonine.
Molecular consequence: missense variant. On other transcripts: 3 prime UTR variant (1), non-coding transcript variant (1), intron variant (1).
Genome position (GRCh38, 1-based): chr11:18,407,235, A>C. VCF-style: chr11-18407235-A-C. GRCh37 (hg19) VCF-style: chr11-18428782-A-C.
Other names: c.779A>C, p.Lys260Thr (NM_001135239.2); c.1040A>C, p.Lys347Thr (NM_001165414.2); c.*103A>C (NM_001165416.2); c.688-4A>C (NM_001165415.2); short protein forms K347T, K260T, K318T.
Identifiers: ClinVar variation 3709499 (VCV003709499.2).